The following is an entry in ClinVar:

NM_000265.7(NCF1):c.75_76del (p.Tyr26fs)

Genes: NCF1 (neutrophil cytosolic factor 1; plus strand), LOC106029312 (Williams-Beuren syndrome medial block B recombination region; plus strand). Cytogenetic location: 7q11.23.
Variant type: Microsatellite.
Coding change: c.75_76del on transcript NM_000265.7 (MANE Select); coding-DNA positions 75 to 76, 2 bases deleted (GT; older notation c.75_76delGT).
Protein change: p.Tyr26fs; shifts the reading frame from tyrosine 26.
Molecular consequence: frameshift variant.
Genome position (GRCh38, 1-based): chr7:74,777,269-74,777,270, GT deleted; deleting any 2 consecutive bases within chr7:74,777,267-74,777,270 gives the same sequence; the c. name uses the placement nearest the transcript's 3' end. VCF-style (leftmost placement, unchanged base first): chr7-74777266-GGT-G. GRCh37 (hg19) VCF-style: chr7-74191612-GGT-G.
Other names: c.75_76delGT (NM_000265.7); c.75_76del (NM_000265.6); short protein forms Y26fs.
Identifiers: ClinVar variation 2249 (VCV000002249.51), dbSNP rs4029402, ClinGen allele CA339959.

ClinVar aggregate classification (germline): Conflicting classifications of pathogenicity. Review status: criteria provided, conflicting classifications (1 of 4 stars). 9 submissions from 9 submitters: Pathogenic (5); Uncertain significance (1). 3 of the submissions do not count toward it. Last evaluated 2026-05-01.

Conditions:
Primary ciliary dyskinesia. Also called: Ciliary dyskinesia. Identifiers: Orphanet 244, MedGen C0008780, MONDO:0016575, HP:0012265.
Granulomatous disease, chronic, X-linked. Also called: CYTOCHROME b-NEGATIVE GRANULOMATOUS DISEASE, CHRONIC, X-LINKED; GRANULOMATOUS DISEASE, CHRONIC, X-LINKED, SOMATIC MOSAIC. Identifiers: Orphanet 379, MedGen C1844376, MONDO:0010600, OMIM 306400.
Granulomatous disease, chronic, autosomal recessive, cytochrome b-positive, type 1. Also called: Chronic granulomatous disease due to deficiency of NCF-1; CGD, AUTOSOMAL RECESSIVE CYTOCHROME b-POSITIVE, TYPE I; GRANULOMATOUS DISEASE, CHRONIC, DUE TO NCF1 DEFICIENCY; Chronic Granulomatous Disease, Autosomal Recessive, Cytochrome b-Positive, Type I; Chronic granulomatous disease 1, autosomal recessive. Identifiers: Orphanet 379, MedGen C1856251, MONDO:0009309, OMIM 233700.

Submissions (9):

CeGaT Center for Human Genetics Tuebingen
Classification: Pathogenic. Last evaluated: 2026-05-01. Review status: criteria provided, single submitter. Criteria: CeGaT Center For Human Genetics Tuebingen Variant Classification Criteria Version 2. Collection method: clinical testing. Allele origin: germline. Affected: yes. Observed: 8 variant alleles.
Comment: NCF1: PVS1, PM2

Department of Human Genetics, Hannover Medical School
Classification: Uncertain significance for Primary Ciliary Dyskinesia. Last evaluated: 2026-04-01. Review status: criteria provided, single submitter. Criteria: ACMG Guidelines, 2015. Collection method: research. Allele origin: germline. Affected: no.
Comment: Classification performed by HerediClassify using the following criteria:['PM2_supporting: Variant occures does not occur as homozygous in gnomAD.', 'PP3_splicing_supporting: Variant is predicted to have a splice effect by SpliceAI with evidence strength supporting.', 'PVS1_protein_strong: Transcript ENST00000289473 is not predicted to undergo NMD. Protein length change of 0.8717948717948718 observed.']

Genomic Medicine Center of Excellence, King Faisal Specialist Hospital and Research Centre
Classification: Pathogenic for Granulomatous disease, chronic, autosomal recessive, cytochrome b-positive, type 1. Last evaluated: 2024-12-18. Review status: criteria provided, single submitter. Criteria: ACMG Guidelines, 2015. Collection method: clinical testing. Allele origin: germline.

Baylor Genetics
Classification: Pathogenic for Granulomatous disease, chronic, autosomal recessive, cytochrome b-positive, type 1. Last evaluated: 2023-12-13. Review status: criteria provided, single submitter. Criteria: ACMG Guidelines, 2015. Collection method: clinical testing. Allele origin: unknown.

Molecular Genetics, Royal Melbourne Hospital
Classification: Pathogenic for Granulomatous disease, chronic, autosomal recessive, cytochrome b-positive, type 1. Last evaluated: 2022-04-22. Review status: criteria provided, single submitter. Criteria: ACMG Guidelines, 2015. Collection method: clinical testing. Allele origin: germline. Affected: yes.
Comment: This sequence change is a deletion of 2 bp in exon 2 (of 11) of NCF1 that is predicted to create a premature termination codon at position 51, p.(Tyr26Hisfs*26). It is expected to result in nonsense-mediated decay, and loss of function is an established mechanism of disease for this gene (PVS1; ClinVar). The variant does not pass quality control in the gnomAD dataset, and thus cannot be assessed for population frequency (gnomAD v2.1, v3.0). Homozygosity of this variant is the most common cause of chronic granulomatous disease (CGD) due to deficiency of NCF1, produced by a recombination event between NCF1 & pseudogenes (PMID: 9329953). It has been identified in the homozygous and to a lesser degree compound heterozygous state with a second pathogenic allele in multiple CGD cases, and segregation with disease has been reported in over 12 families (PM3_VeryStrong, PP1_Strong; examples in PMID: 11133775, 16972229, 21190454). Based on the classification scheme RMH ACMG Guidelines v1.2.1, this variant is classified as PATHOGENIC. Following criteria are met: PVS1, PM3_VeryStrong, PP1_Strong.

GeneDx
Classification: Pathogenic. Last evaluated: 2020-03-27. Review status: criteria provided, single submitter. Criteria: GeneDx Variant Classification Process June 2021. Collection method: clinical testing. Allele origin: germline. Affected: yes.
Comment: Is the most common cause of autosomal recessive chronic granulomatous disease (CGD); has a carrier frequency of 1:250 in the population (Leiding et al., 2012); Accounts for more than 95% of pathogenic variants in the NCF1 gene (Noack et al., 2001); Arises from a recurrent gene conversion event between NCF1 and flanking pseudogenes containing the dinucleotide deletion (Leiding et al., 2012); Frameshift variant predicted to result in protein truncation or nonsense mediated decay in a gene for which loss-of-function is a known mechanism of disease; No reliable data available from control populations to assess the frequency of this variant as the variant is pseudogene-derived; This variant is associated with the following publications: (PMID: 22138397, 22876374, 10706888, 2011585, 26409780, 27699571, 27699569, 27701760, 28130637, 29560547, 11133775, 8147881, 30651282, 30470980, 30409207, 30319683, 31631731, 31482473, 31813112, 32040803, 33365035)

Clinic of Clinical Immunology with Stem Cell Bank, Expert Centre for Rare Diseases - PID, University Hospital "Alexandrovska"
Classification: Pathogenic for Granulomatous disease, chronic, X-linked. Last evaluated: 2022-05-01. Review status: no assertion criteria provided. Collection method: clinical testing. Allele origin: germline. Affected: yes. Not counted in ClinVar's aggregate classification.

GeneReviews
Classification: Pathogenic for Chronic Granulomatous Disease. Last evaluated: 2012-08-09. Review status: no assertion criteria provided. Collection method: curation. Allele origin: unknown. Not counted in ClinVar's aggregate classification.
ClinVar note: Converted during submission from pathologic to Pathogenic.

OMIM
Classification: Pathogenic for GRANULOMATOUS DISEASE, CHRONIC, AUTOSOMAL RECESSIVE, 1. Last evaluated: 2001-01-01. Review status: no assertion criteria provided. Collection method: literature only. Allele origin: germline. Not counted in ClinVar's aggregate classification.

Literature cited by the submitters: PubMed 9329953 (cited by Molecular Genetics, Royal Melbourne Hospital and OMIM); PubMed 11133775 (cited by Molecular Genetics, Royal Melbourne Hospital and OMIM); PubMed 16972229 (cited by Molecular Genetics, Royal Melbourne Hospital); PubMed 21190454 (cited by Molecular Genetics, Royal Melbourne Hospital); PubMed 2011585 (cited by OMIM); PubMed 7678602 (cited by OMIM); PubMed 742630 (cited by OMIM); PubMed 10706888 (cited by OMIM).